The following is an entry in ClinVar:

NM_020975.6(RET):c.1612A>G (p.Thr538Ala)

Gene: RET (ret proto-oncogene; plus strand). Cytogenetic location: 10q11.21.
Variant type: single nucleotide variant.
Coding change: c.1612A>G on transcript NM_020975.6 (MANE Select); coding-DNA position 1612, A replaced by G.
Protein change: p.Thr538Ala; replaces threonine 538 with alanine.
Molecular consequence: missense variant.
Genome position (GRCh38, 1-based): chr10:43,112,188, A>G. VCF-style: chr10-43112188-A-G. GRCh37 (hg19) VCF-style: chr10-43607636-A-G.
Other names: c.886A>G, p.Thr296Ala (NM_001406776.1, NM_001406777.1, NM_001406778.1 and 1 more transcripts); c.715A>G, p.Thr239Ala (NM_001406779.1, NM_001406780.1, NM_001406781.1 and 3 more transcripts); c.586A>G, p.Thr196Ala (NM_001406783.1, NM_001406786.1); c.622A>G, p.Thr208Ala (NM_001406784.1); c.1612A>G, p.Thr538Ala (NM_000323.2, NM_001406743.1, NM_001406744.1 and 6 more transcripts); c.850A>G, p.Thr284Ala (NM_001355216.2); c.1483A>G, p.Thr495Ala (NM_001406761.1, NM_001406762.1, NM_001406764.1 and 1 more transcripts); c.1324A>G, p.Thr442Ala (NM_001406766.1, NM_001406767.1, NM_001406770.1); and 5 more; short protein forms T239A, T296A, T538A, T55A, T143A, T392A, T196A, T284A.
Identifiers: ClinVar variation 2562607 (VCV002562607.5), dbSNP rs746279995, ClinGen allele CA034636.

ClinVar aggregate classification (germline): Uncertain significance. Review status: criteria provided, multiple submitters, no conflicts (2 of 4 stars). 3 submissions from 3 submitters: Uncertain significance (3). Last evaluated 2025-02-19.

Conditions:
Multiple endocrine neoplasia type 2B. Also called: Multiple endocrine neoplasia, type 3; MULTIPLE ENDOCRINE NEOPLASIA, TYPE IIB; MEN IIB; NEUROMATA, MUCOSAL, WITH ENDOCRINE TUMORS; WAGENMANN-FROBOESE SYNDROME; MULTIPLE ENDOCRINE NEOPLASIA, TYPE III. Identifiers: Orphanet 247709, Orphanet 653, MedGen C0025269, MeSH D018814, MONDO:0008082, OMIM 162300.
Pheochromocytoma. Also called: MAX-Related Hereditary Paraganglioma-Pheochromocytoma Syndrome. Identifiers: Orphanet 29072, MedGen C0031511, MONDO:0008233, OMIM 171300, HP:0002666.
Familial medullary thyroid carcinoma (MTC). Also called: Thyroid cancer, familial medullary; MTC, familial; Familial Medullary Thyroid Carcinoma (FMTC). Identifiers: Orphanet 653, Orphanet 99361, MedGen C1833921, MONDO:0007958, OMIM 155240.
Multiple endocrine neoplasia type 2A. Also called: MULTIPLE ENDOCRINE NEOPLASIA, TYPE IIA; PTC SYNDROME; SIPPLE SYNDROME; MEN 2A; MEN-2A syndrome; Pheochromocytoma and amyloid producing medullary thyroid carcinoma. Identifiers: Orphanet 247698, Orphanet 653, MedGen C0025268, MeSH D018813, MONDO:0008234, OMIM 171400.
Hirschsprung disease, susceptibility to, 1 (HSCR1). Also called: RET-Related Hirschsprung Disease. Identifiers: Orphanet 388, MedGen C3888239, MONDO:0007723, OMIM 142623.
Multiple endocrine neoplasia, type 2 (MEN2). Identifiers: Orphanet 653, MedGen C4048306, MONDO:0019003. Disease mechanism: gain of function.
Hereditary cancer-predisposing syndrome. Also called: Neoplastic Syndromes, Hereditary; Tumor predisposition; Hereditary Cancer Syndrome; Hereditary neoplastic syndrome. Identifiers: Orphanet 140162, MedGen C0027672, MeSH D009386, MONDO:0015356.

Allele frequency attached by ClinVar (database versions not stated): gnomAD exomes below 0.00001; TOPMed below 0.00001; ExAC 0.00004.
gnomAD v4.1: 2 of 1,564,312 alleles (0.00013%); highest among the groups gnomAD compares: African/African-American, 0.0014%; no homozygotes.

Submissions (3):

Labcorp Genetics (formerly Invitae), Labcorp
Classification: Uncertain significance for Multiple endocrine neoplasia, type 2. Last evaluated: 2025-02-19. Review status: criteria provided, single submitter. Criteria: Invitae Variant Classification Sherloc (09022015). Collection method: clinical testing. Allele origin: germline.
Comment: This sequence change replaces threonine, which is neutral and polar, with alanine, which is neutral and non-polar, at codon 538 of the RET protein (p.Thr538Ala). This variant is present in population databases (rs746279995, gnomAD 0.01%). This variant has not been reported in the literature in individuals affected with RET-related conditions. ClinVar contains an entry for this variant (Variation ID: 2562607). An algorithm developed to predict the effect of missense changes on protein structure and function (PolyPhen-2) suggests that this variant is likely to be tolerated. In summary, the available evidence is currently insufficient to determine the role of this variant in disease. Therefore, it has been classified as a Variant of Uncertain Significance.

Fulgent Genetics
Classification: Uncertain significance for Hirschsprung disease, susceptibility to, 1; Familial medullary thyroid carcinoma; Multiple endocrine neoplasia type 2B; Pheochromocytoma; Multiple endocrine neoplasia type 2A. Last evaluated: 2024-01-09. Review status: criteria provided, single submitter. Criteria: ACMG Guidelines, 2015. Collection method: clinical testing. Allele origin: germline.

Ambry Genetics
Classification: Uncertain significance for Hereditary cancer-predisposing syndrome. Last evaluated: 2023-03-17. Review status: criteria provided, single submitter. Criteria: Ambry Variant Classification Scheme 2023. Collection method: clinical testing. Allele origin: germline.
Comment: The p.T538A variant (also known as c.1612A>G), located in coding exon 8 of the RET gene, results from an A to G substitution at nucleotide position 1612. The threonine at codon 538 is replaced by alanine, an amino acid with similar properties. This amino acid position is conserved. In addition, the in silico prediction for this alteration is inconclusive. Since supporting evidence is limited at this time, the clinical significance of this alteration remains unclear.